The following is an entry in ClinVar:

ClinVar aggregate classification (germline): Uncertain significance (1 of 4 stars; one submission).

Submission:

Labcorp Genetics (formerly Invitae), Labcorp
Classification: Uncertain significance. Last evaluated: 2022-01-16. Review status: criteria provided, single submitter. Criteria: Invitae Variant Classification Sherloc (09022015). Collection method: clinical testing. Allele origin: germline.
Comment: This sequence change replaces glutamic acid, which is acidic and polar, with lysine, which is basic and polar, at codon 853 of the MSH3 protein (p.Glu853Lys). This variant is not present in population databases (gnomAD no frequency). In summary, the available evidence is currently insufficient to determine the role of this variant in disease. Therefore, it has been classified as a Variant of Uncertain Significance. Algorithms developed to predict the effect of missense changes on protein structure and function (SIFT, PolyPhen-2, Align-GVGD) all suggest that this variant is likely to be tolerated. This variant has not been reported in the literature in individuals affected with MSH3-related conditions.

NM_002439.5(MSH3):c.2557G>A (p.Glu853Lys)

Gene: MSH3 (mutS homolog 3; plus strand). Cytogenetic location: 5q14.1.
Variant type: single nucleotide variant.
Coding change: c.2557G>A on transcript NM_002439.5 (MANE Select); coding-DNA position 2557, G replaced by A.
Protein change: p.Glu853Lys; replaces glutamic acid 853 with lysine.
Molecular consequence: missense variant.
Genome position (GRCh38, 1-based): chr5:80,792,746, G>A. VCF-style: chr5-80792746-G-A. GRCh37 (hg19) VCF-style: chr5-80088565-G-A.
Other names: short protein forms E853K.
Identifiers: ClinVar variation 2086411 (VCV002086411.4), dbSNP rs200185323, ClinGen allele CA360272851.